The following is an entry in ClinVar:

ClinVar aggregate classification (germline): Uncertain significance. Review status: criteria provided, multiple submitters, no conflicts (2 of 4 stars). 2 submissions from 2 submitters: Uncertain significance (2). Last evaluated 2025-10-08.

Conditions:
Myofibrillar myopathy 5. Also called: FILAMINOPATHY, AUTOSOMAL DOMINANT; Filaminopathy (type). Identifiers: Orphanet 171445, MedGen C1836050, MONDO:0012289, OMIM 609524.
Distal myopathy with posterior leg and anterior hand involvement. Also called: WILLIAMS DISTAL MYOPATHY. Identifiers: Orphanet 63273, MedGen C3279722, MONDO:0013550, OMIM 614065.
Hypertrophic cardiomyopathy 26. Also called: Cardiomyopathy, familial hypertrophic, 26. Identifiers: Orphanet 75249, MedGen C4310749, MONDO:0014883, OMIM 617047.

gnomAD v4.1: 11 of 1,613,090 alleles (0.00068%); highest among the groups gnomAD compares: East Asian, 0.0022%; no homozygotes.

Submissions (2):

Labcorp Genetics (formerly Invitae), Labcorp
Classification: Uncertain significance for Distal myopathy with posterior leg and anterior hand involvement; Myofibrillar myopathy 5; Hypertrophic cardiomyopathy 26. Last evaluated: 2025-10-08. Review status: criteria provided, single submitter. Criteria: Invitae Variant Classification Sherloc (09022015). Collection method: clinical testing. Allele origin: germline.
Comment: This sequence change replaces arginine, which is basic and polar, with cysteine, which is neutral and slightly polar, at codon 558 of the FLNC protein (p.Arg558Cys). This variant is present in population databases (rs370326975, gnomAD 0.003%). This variant has not been reported in the literature in individuals affected with FLNC-related conditions. ClinVar contains an entry for this variant (Variation ID: 1042965). Invitae Evidence Modeling of protein sequence and biophysical properties (such as structural, functional, and spatial information, amino acid conservation, physicochemical variation, residue mobility, and thermodynamic stability) has been performed for this missense variant. However, the output from this modeling did not meet the statistical confidence thresholds required to predict the impact of this variant on FLNC protein function. In summary, the available evidence is currently insufficient to determine the role of this variant in disease. Therefore, it has been classified as a Variant of Uncertain Significance.

Revvity Omics, Revvity
Classification: Uncertain significance. Last evaluated: 2024-11-19. Review status: criteria provided, single submitter. Criteria: ACMG Guidelines, 2015. Collection method: clinical testing. Allele origin: germline.

NM_001458.5(FLNC):c.1672C>T (p.Arg558Cys)

Gene: FLNC (filamin C; plus strand). Cytogenetic location: 7q32.1.
Variant type: single nucleotide variant.
Coding change: c.1672C>T on transcript NM_001458.5 (MANE Select); coding-DNA position 1672, C replaced by T.
Protein change: p.Arg558Cys; replaces arginine 558 with cysteine.
Molecular consequence: missense variant.
Genome position (GRCh38, 1-based): chr7:128,840,670, C>T. VCF-style: chr7-128840670-C-T. GRCh37 (hg19) VCF-style: chr7-128480724-C-T.
Other names: c.1672C>T, p.Arg558Cys (NM_001127487.2); c.1672C>T (NM_001458.4); short protein forms R558C.
Identifiers: ClinVar variation 1042965 (VCV001042965.4), dbSNP rs370326975, ClinGen allele CA4474429.
Genomic context (GRCh38, chr7:128,840,670, plus strand): 5'-TACCCGGTGGTGCCTGGGAAGTATGTGGTGACCATCACGTGGGGCGGCTACGCCATCCCT[C>T]GCAGGTGAGTACCTTGCGCCCCCCATGCTGTCCTGTCTAGGCCATCACAGGGAGGGACGA-3'
Protein context (NP_001449.3, residues 548-568): TITWGGYAIP[Arg558Cys]SPFEVQVSPE